The following is an entry in ClinVar:

NM_001166108.2(PALLD):c.1965-12694CCA[3]

Gene: PALLD (palladin, cytoskeletal associated protein; plus strand). Cytogenetic location: 4q32.3.
Variant type: Microsatellite.
Coding change: c.1965-12694CCA[3] on transcript NM_001166108.2 (MANE Select); three copies in a row of the 3-base unit CCA starting at c.1965-12694.
Molecular consequence: intron variant. On other transcripts: inframe insertion (1).
Genome position: GRCh38 VCF-style: chr4-168878227-G-GCCA. GRCh37 (hg19) VCF-style: chr4-169799378-G-GCCA.
Other names: c.339ACC[3], p.Pro116dup (NM_001166110.2); c.1965-12694CCA[3] (NM_016081.4); c.819-12694CCA[3] (NM_001166109.2); c.-157-12694CCA[3] (NM_001367570.1, NM_001367568.1, NM_001367567.1 and 1 more transcripts).
Identifiers: ClinVar variation 476388 (VCV000476388.16), dbSNP rs201979617, ClinGen allele CA3135778.

ClinVar aggregate classification (germline): Benign. Review status: criteria provided, multiple submitters, no conflicts (2 of 4 stars). 4 submissions from 4 submitters: Benign (3). 1 of the submissions does not count toward it. Last evaluated 2026-01-31.

Conditions:
Pancreatic adenocarcinoma. Identifiers: MedGen C0281361, MONDO:0006047, HP:0006725.

Submissions (4):

Labcorp Genetics (formerly Invitae), Labcorp
Classification: Benign for Pancreatic adenocarcinoma. Last evaluated: 2026-01-31. Review status: criteria provided, single submitter. Criteria: Invitae Variant Classification Sherloc (09022015). Collection method: clinical testing. Allele origin: germline.

Ambry Genetics
Classification: Benign. Last evaluated: 2024-10-29. Review status: criteria provided, single submitter. Criteria: Ambry Variant Classification Scheme 2023. Collection method: clinical testing. Allele origin: germline.

GeneDx
Classification: Benign. Last evaluated: 2015-03-03. Review status: criteria provided, single submitter. Criteria: GeneDx Variant Classification Process June 2021. Collection method: clinical testing. Allele origin: germline. Affected: yes.

Department of Pathology and Laboratory Medicine, Sinai Health System
Classification: Benign. Review status: no assertion criteria provided. Collection method: clinical testing. Allele origin: unknown. Affected: yes. Study: The Canadian Open Genetics Repository (COGR). Not counted in ClinVar's aggregate classification.
Comment: The PALLD p.Pro115dup variant was not identified in the literature nor was it identified in COSMIC. The variant was identified in dbSNP (ID: rs201979617) and ClinVar (classified as benign by Invitae). The variant was identified in control databases in 597 of 142532 chromosomes (8 homozygous) at a frequency of 0.004189 (Genome Aggregation Database March 6, 2019, v2.1.1). This variant is an in-frame insertion resulting in the duplication of a proline (pro) residue at codon 115; the impact of this alteration on PALLD protein function is not known. In summary, based on the above information this variant meets our laboratory's criteria to be classified as benign.